The following is an entry in ClinVar:

ClinVar aggregate classification (germline): Uncertain significance (1 of 4 stars; one submission).

Allele frequency attached by ClinVar (database versions not stated): gnomAD 0.00002; TOPMed 0.00003.
gnomAD v4.1: 3 of 1,208,878 alleles (0.00025%); highest among the groups gnomAD compares: African/African-American, 0.0035%; no homozygotes.

Submission:

GeneDx
Classification: Uncertain significance. Last evaluated: 2023-05-02. Review status: criteria provided, single submitter. Criteria: GeneDx Variant Classification Process June 2021. Collection method: clinical testing. Allele origin: germline. Affected: yes.
Comment: Not observed at significant frequency in large population cohorts (gnomAD); In silico analysis supports that this missense variant does not alter protein structure/function; Has not been previously published as pathogenic or benign to our knowledge

NM_002637.4(PHKA1):c.1907A>G (p.Tyr636Cys)

Gene: PHKA1 (phosphorylase kinase regulatory subunit alpha 1; minus strand). Cytogenetic location: Xq13.1.
Variant type: single nucleotide variant.
Coding change: c.1907A>G on transcript NM_002637.4 (MANE Select); coding-DNA position 1907, A replaced by G.
Protein change: p.Tyr636Cys; replaces tyrosine 636 with cysteine.
Molecular consequence: missense variant.
Genome position (GRCh38, 1-based): chrX:72,623,162, T>C on the plus strand (A>G on the coding strand, the complement: PHKA1 is on the minus strand). VCF-style: chrX-72623162-T-C. GRCh37 (hg19) VCF-style: chrX-71843012-T-C.
Other names: c.1907A>G, p.Tyr636Cys (NM_001122670.2, NM_001172436.2); short protein forms Y636C.
Identifiers: ClinVar variation 2663648 (VCV002663648.1), dbSNP rs1380683163, ClinGen allele CA413591409.
Genomic context (GRCh38, chrX:72,623,162, plus strand): 5'-TCCTTACCATGACTGGTTGAATCATAATCATTCATCCAGTTGCCAGATTCCAGGTAATCA[T>C]AGTTGTCATCATAATCTTCACTGTACAGCTTACCCTCAGGTCCAGGGTCCATGAAGCTCA-3'
Protein context (NP_002628.2, residues 626-646): KLYSEDYDDN[Tyr636Cys]DYLESGNWMN